The following is an entry in ClinVar:

ClinVar aggregate classification (germline): Likely pathogenic (1 of 4 stars; one submission).

Conditions:
Hyperparathyroidism, transient neonatal. Identifiers: MedGen C1300287, MONDO:0032591, OMIM 618188.

Submission:

Laboratory of Medical Genetics, National & Kapodistrian University of Athens
Classification: Likely pathogenic for Hyperparathyroidism, transient neonatal. Last evaluated: 2022-10-17. Review status: criteria provided, single submitter. Criteria: ACMG Guidelines, 2015. Collection method: clinical testing. Allele origin: germline. Affected: yes.
Comment: PVS1, PM2

NM_018646.6(TRPV6):c.715_724del (p.Val239fs)

Gene: TRPV6 (transient receptor potential cation channel subfamily V member 6; minus strand). Cytogenetic location: 7q34.
Variant type: Deletion.
Coding change: c.715_724del on transcript NM_018646.6 (MANE Select); coding-DNA positions 715 to 724, 10 bases deleted (GTGTTACACA; older notation c.715_724delGTGTTACACA).
Protein change: p.Val239fs; shifts the reading frame from valine 239.
Molecular consequence: frameshift variant.
Genome position (GRCh38, 1-based): chr7:142,876,566-142,876,575, TGTGTAACAC deleted on the plus strand (GTGTTACACA on the coding strand, the reverse complement: TRPV6 is on the minus strand); deleting any 10 consecutive bases within chr7:142,876,566-142,876,580 gives the same sequence; the c. name uses the placement nearest the transcript's 3' end. VCF-style (leftmost placement, unchanged base first): chr7-142876565-ATGTGTAACAC-A. GRCh37 (hg19) VCF-style: chr7-142574318-ATGTGTAACAC-A.
Other names: short protein forms V239fs.
Identifiers: ClinVar variation 2572618 (VCV002572618.1), dbSNP rs1266068657, ClinGen allele CA578626197.